The following is an entry in ClinVar:

ClinVar aggregate classification (germline): Conflicting classifications of pathogenicity. Review status: criteria provided, conflicting classifications (1 of 4 stars). 3 submissions from 3 submitters: Uncertain significance (2); Likely benign (1). Last evaluated 2025-03-31.

Conditions:
Inborn genetic diseases. Identifiers: MedGen C0950123, MeSH D030342.
Spastic paraplegia. Identifiers: MedGen C0037772, HP:0001258.

Allele frequency attached by ClinVar (database versions not stated): gnomAD exomes below 0.00001 and 0.00001; ExAC 0.00004.
gnomAD v4.1: 5 of 1,597,848 alleles (0.00031%); highest among the groups gnomAD compares: Non-Finnish European, 0.00043%; no homozygotes.

Submissions (3):

Ambry Genetics
Classification: Uncertain significance for Inborn genetic diseases. Last evaluated: 2025-03-31. Review status: criteria provided, single submitter. Criteria: Ambry Variant Classification Scheme 2023. Collection method: clinical testing. Allele origin: germline.

Labcorp Genetics (formerly Invitae), Labcorp
Classification: Uncertain significance for Spastic paraplegia. Last evaluated: 2024-10-08. Review status: criteria provided, single submitter. Criteria: Invitae Variant Classification Sherloc (09022015). Collection method: clinical testing. Allele origin: germline.
Comment: This sequence change replaces glycine, which is neutral and non-polar, with serine, which is neutral and polar, at codon 407 of the GJC2 protein (p.Gly407Ser). This variant is present in population databases (rs758530794, gnomAD 0.003%). This variant has not been reported in the literature in individuals affected with GJC2-related conditions. ClinVar contains an entry for this variant (Variation ID: 1383466). Invitae Evidence Modeling of protein sequence and biophysical properties (such as structural, functional, and spatial information, amino acid conservation, physicochemical variation, residue mobility, and thermodynamic stability) indicates that this missense variant is not expected to disrupt GJC2 protein function with a negative predictive value of 95%. In summary, the available evidence is currently insufficient to determine the role of this variant in disease. Therefore, it has been classified as a Variant of Uncertain Significance.

Blueprint Genetics
Classification: Likely benign. Last evaluated: 2024-06-24. Review status: criteria provided, single submitter. Criteria: ACMG Guidelines, 2015. Collection method: clinical testing. Allele origin: germline.

NM_020435.4(GJC2):c.1219G>A (p.Gly407Ser)

Gene: GJC2 (gap junction protein gamma 2; plus strand). Cytogenetic location: 1q42.13.
Variant type: single nucleotide variant.
Coding change: c.1219G>A on transcript NM_020435.4 (MANE Select); coding-DNA position 1219, G replaced by A.
Protein change: p.Gly407Ser; replaces glycine 407 with serine.
Molecular consequence: missense variant.
Genome position (GRCh38, 1-based): chr1:228,158,977, G>A. VCF-style: chr1-228158977-G-A. GRCh37 (hg19) VCF-style: chr1-228346678-G-A.
Other names: c.1219G>A (NM_020435.3); short protein forms G407S.
Identifiers: ClinVar variation 1383466 (VCV001383466.10), dbSNP rs758530794, ClinGen allele CA1430966.
Genomic context (GRCh38, chr1:228,158,977, plus strand): 5'-GCAGGCGCCCCCGCGTCCCGGACGGGCAGTGCTACCTCTGCGGGCACTGTCGGGGAGCAG[G>A]GCCGGCCCGGCACCCACGAGCGGCCAGGAGCCAAGCCCAGGGCTGGCTCCGAGAAGGGCA-3'
Protein context (NP_065168.2, residues 397-417): ATSAGTVGEQ[Gly407Ser]RPGTHERPGA